The following is an entry in ClinVar:

ClinVar aggregate classification (germline): Pathogenic (1 of 4 stars; one submission).

Conditions:
Bloom syndrome (BLM). Also called: Bloom-Torre-Machacek syndrome. Identifiers: Orphanet 125, MedGen C0005859, MONDO:0008876, OMIM 210900.

Submission:

Labcorp Genetics (formerly Invitae), Labcorp
Classification: Pathogenic for Bloom syndrome. Last evaluated: 2022-01-15. Review status: criteria provided, single submitter. Criteria: Invitae Variant Classification Sherloc (09022015). Collection method: clinical testing. Allele origin: germline.
Comment: For these reasons, this variant has been classified as Pathogenic. This variant has not been reported in the literature in individuals affected with BLM-related conditions. This variant is not present in population databases (gnomAD no frequency). This sequence change creates a premature translational stop signal (p.His660Ilefs*14) in the BLM gene. It is expected to result in an absent or disrupted protein product. Loss-of-function variants in BLM are known to be pathogenic (PMID: 17407155).

Literature cited by the submitters: PubMed 17407155.

NM_000057.4(BLM):c.1977del (p.His660fs)

Gene: BLM (BLM RecQ like helicase; plus strand). Cytogenetic location: 15q26.1.
Variant type: Deletion.
Coding change: c.1977del on transcript NM_000057.4 (MANE Select); coding-DNA position 1977, one base deleted (T; older notation c.1977delT).
Protein change: p.His660fs; shifts the reading frame from histidine 660.
Molecular consequence: frameshift variant.
Genome position (GRCh38, 1-based): chr15:90,763,060, T deleted; the last of 5 consecutive T bases (chr15:90,763,056-90,763,060); deleting any one gives the same sequence. VCF-style (leftmost placement, unchanged base first): chr15-90763055-AT-A. GRCh37 (hg19) VCF-style: chr15-91306285-AT-A.
Other names: c.1977del, p.His660fs (NM_001287246.2, NM_001287247.2); c.852del, p.His285fs (NM_001287248.2); short protein forms H285fs, H660fs.
Identifiers: ClinVar variation 2083062 (VCV002083062.4), dbSNP rs2505434937, ClinGen allele CA2580090489.